The following is an entry in ClinVar:

ClinVar aggregate classification (germline): Uncertain significance (1 of 4 stars; one submission).

Conditions:
CITED2-related disorder. Also called: CITED2-related condition.

Submission:

PreventionGenetics, part of Exact Sciences
Classification: Uncertain significance for CITED2-related condition. Last evaluated: 2026-04-21. Review status: criteria provided, single submitter. Criteria: ACMG Guidelines, 2015. Collection method: clinical testing. Allele origin: germline.
Comment: The CITED2 c.541C>T variant is predicted to result in the amino acid substitution p.Pro181Ser. To our knowledge, this variant has not been reported in the literature or in a large population database (gnomAD), indicating this variant is rare. At this time, the clinical significance of this variant is uncertain due to the absence of conclusive functional and genetic evidence.

NM_006079.5(CITED2):c.526C>T (p.Pro176Ser)

Genes: CITED2 (Cbp/p300 interacting transactivator with ED-rich tail 2; minus strand), LOC129997307 (ATAC-STARR-seq lymphoblastoid silent region 17609; plus strand). Cytogenetic location: 6q24.1.
Variant type: single nucleotide variant.
Coding change: c.526C>T on transcript NM_006079.5 (MANE Select); coding-DNA position 526, C replaced by T.
Protein change: p.Pro176Ser; replaces proline 176 with serine.
Molecular consequence: missense variant.
Genome position (GRCh38, 1-based): chr6:139,373,419, G>A on the plus strand (C>T on the coding strand, the complement: CITED2 is on the minus strand). VCF-style: chr6-139373419-G-A. GRCh37 (hg19) VCF-style: chr6-139694556-G-A.
Other names: c.526C>T, p.Pro176Ser (NM_001168388.3); c.541C>T, p.Pro181Ser (NM_001168389.3); short protein forms P176S, P181S.
Identifiers: ClinVar variation 5002154 (VCV005002154.1).